The following is an entry in ClinVar:

NM_001199107.2(TBC1D24):c.1500G>A (p.Ala500=)

Gene: TBC1D24 (TBC1 domain family member 24; plus strand). Cytogenetic location: 16p13.3.
Variant type: single nucleotide variant.
Coding change: c.1500G>A on transcript NM_001199107.2 (MANE Select); coding-DNA position 1500, G replaced by A.
Protein change: p.Ala500=; no amino-acid change (alanine 500 retained).
Molecular consequence: synonymous variant.
Genome position (GRCh38, 1-based): chr16:2,500,465, G>A. VCF-style: chr16-2500465-G-A. GRCh37 (hg19) VCF-style: chr16-2550466-G-A.
Other names: p.A494A:GCG>GCA; p.Ala500=; c.1482G>A, p.Ala494= (NM_020705.3).
Identifiers: ClinVar variation 130537 (VCV000130537.78), dbSNP rs201059992, ClinGen allele CA289060.

ClinVar aggregate classification (germline): Benign/Likely benign. Review status: criteria provided, multiple submitters, no conflicts (2 of 4 stars). 16 submissions from 16 submitters: Benign (7); Likely benign (5). 4 of the submissions do not count toward it. Last evaluated 2026-06-01.

Conditions:
TBC1D24-related disorder. Also called: TBC1D24-related condition; TBC1D24-related disorders. Identifiers: MedGen CN381194.
Autosomal dominant nonsyndromic hearing loss 65. Also called: Deafness, autosomal dominant 65; TBC1D24-Related Autosomal Dominant Nonsyndromic Hearing Loss (DFNA). Identifiers: Orphanet 90635, MedGen C3892048, MONDO:0014470, OMIM 616044.
Developmental and epileptic encephalopathy, 1 (DEE1). Also called: INFANTILE SPASM SYNDROME, X-LINKED 1; Epileptic encephalopathy, early infantile, 1; X-linked infantile spasms; West's syndrome; Tonic spasms with clustering, arrest of psychomotor development and hypsarrhythmia on EEG; X-Linked Infantile Spasm Syndrome. Identifiers: MedGen C3463992, MONDO:0010632, OMIM 308350. Disease mechanism: loss of function.
Inborn genetic diseases. Identifiers: MedGen C0950123, MeSH D030342.
Familial infantile myoclonic epilepsy (FIME). Also called: Epilepsy, Myoclonic, Infantile; TBC1D24-Related Familial Infantile Myoclonic Epilepsy (FIME). Identifiers: Orphanet 352582, MedGen C0917800, MONDO:0011506, OMIM 605021.

Allele frequency attached by ClinVar (database versions not stated): 1000 Genomes Project 0.00140; 1000 Genomes Project 30x 0.00172; TOPMed 0.00223; ESP Exome Variant Server 0.00309; gnomAD 0.00323 and 0.00334.

Submissions (16):

CeGaT Center for Human Genetics Tuebingen
Classification: Likely benign. Last evaluated: 2026-06-01. Review status: criteria provided, single submitter. Criteria: CeGaT Center For Human Genetics Tuebingen Variant Classification Criteria Version 2. Collection method: clinical testing. Allele origin: germline. Affected: yes. Observed: 38 variant alleles.
Comment: TBC1D24: BP4, BP7, BS2

Labcorp Genetics (formerly Invitae), Labcorp
Classification: Benign for Developmental and epileptic encephalopathy, 1; Autosomal dominant nonsyndromic hearing loss 65. Last evaluated: 2026-01-26. Review status: criteria provided, single submitter. Criteria: Invitae Variant Classification Sherloc (09022015). Collection method: clinical testing. Allele origin: germline.

Mayo Clinic Laboratories, Mayo Clinic
Classification: Benign. Last evaluated: 2025-08-19. Review status: criteria provided, single submitter. Criteria: ACMG Guidelines, 2015. Collection method: clinical testing. Allele origin: germline. Observed: 5 variant alleles.
Comment: BS1, BS2

Blueprint Genetics
Classification: Likely benign. Last evaluated: 2024-11-21. Review status: criteria provided, single submitter. Criteria: ACMG Guidelines, 2015. Collection method: clinical testing. Allele origin: germline.

ARUP Laboratories, Molecular Genetics and Genomics, ARUP Laboratories
Classification: Benign. Last evaluated: 2024-10-11. Review status: criteria provided, single submitter. Criteria: ARUP Molecular Germline Variant Investigation Process 2024. Collection method: clinical testing. Allele origin: germline.

Athena Diagnostics
Classification: Benign. Last evaluated: 2024-10-07. Review status: criteria provided, single submitter. Criteria: Athena Diagnostics Criteria. Collection method: clinical testing. Allele origin: unknown.

Illumina Laboratory Services, Illumina
Classification: Likely benign for Familial infantile myoclonic epilepsy. Last evaluated: 2018-01-12. Review status: criteria provided, single submitter. Criteria: ICSL Variant Classification Criteria 13 December 2019. Collection method: clinical testing. Allele origin: germline.
Comment: This variant was observed in the ICSL laboratory as part of a predisposition screen in an ostensibly healthy population. It had not been previously curated by ICSL or reported in the Human Gene Mutation Database (HGMD: prior to June 1st, 2018), and was therefore a candidate for classification through an automated scoring system. Utilizing variant allele frequency, disease prevalence and penetrance estimates, and inheritance mode, an automated score was calculated to assess if this variant is too frequent to cause the disease. Based on the score and internal cut-off values, a variant classified as likely benign is not then subjected to further curation. The score for this variant resulted in a classification of likely benign for this disease.

Ambry Genetics
Classification: Likely benign for Inborn genetic diseases. Last evaluated: 2016-06-15. Review status: criteria provided, single submitter. Criteria: Ambry Variant Classification Scheme 2023. Collection method: clinical testing. Allele origin: germline.

Eurofins Ntd Llc (ga)
Classification: Benign. Last evaluated: 2015-09-10. Review status: criteria provided, single submitter. Criteria: EGL Classification Definitions 2015. Collection method: clinical testing. Allele origin: germline. Observed: 1 variant allele, 1 heterozygote.

Laboratory for Molecular Medicine, Mass General Brigham Personalized Medicine
Classification: Benign. Last evaluated: 2015-01-13. Review status: criteria provided, single submitter. Criteria: LMM Criteria. Collection method: clinical testing. Allele origin: germline. Observed: 4 variant alleles.
Comment: p.Ala500Ala in exon 7 of TBC1D24: This variant is not expected to have clinical significance because it does not alter an amino acid residue and is not located within the splice consensus sequence. It has been identified in 0.4% (35/8322) o f European American chromosomes from a broad population by the NHLBI Exome Seque ncing Project (dbSNP rs201059992).

GeneDx
Classification: Benign. Last evaluated: 2013-11-04. Review status: criteria provided, single submitter. Criteria: GeneDx Variant Classification (06012015). Collection method: clinical testing. Allele origin: germline. Affected: yes.
Comment: This variant is considered likely benign or benign based on one or more of the following criteria: it is a conservative change, it occurs at a poorly conserved position in the protein, it is predicted to be benign by multiple in silico algorithms, and/or has population frequency not consistent with disease.

Genetic Services Laboratory, University of Chicago
Classification: Likely benign for AllHighlyPenetrant. Last evaluated: 2013-08-27. Review status: criteria provided, single submitter. Criteria: ACMG Guidelines, 2007. Collection method: clinical testing. Allele origin: germline. Inheritance: Autosomal recessive inheritance.

PreventionGenetics, part of Exact Sciences
Classification: Benign for TBC1D24-related condition. Last evaluated: 2019-06-15. Review status: no assertion criteria provided. Collection method: clinical testing. Allele origin: germline. Not counted in ClinVar's aggregate classification.
Comment: This variant is classified as benign based on ACMG/AMP sequence variant interpretation guidelines (Richards et al. 2015 PMID: 25741868, with internal and published modifications).

Clinical Genetics DNA and cytogenetics Diagnostics Lab, Erasmus MC, Erasmus Medical Center
Classification: Likely benign. Review status: no assertion criteria provided. Collection method: clinical testing. Allele origin: germline. Affected: yes. Study: VKGL Data-share Consensus. Not counted in ClinVar's aggregate classification.

Diagnostic Laboratory, Department of Genetics, University Medical Center Groningen
Classification: Likely benign. Review status: no assertion criteria provided. Collection method: clinical testing. Allele origin: germline. Affected: yes. Study: VKGL Data-share Consensus. Not counted in ClinVar's aggregate classification.

Genome Diagnostics Laboratory, University Medical Center Utrecht
Classification: Likely benign. Review status: no assertion criteria provided. Collection method: clinical testing. Allele origin: germline. Affected: yes. Study: VKGL Data-share Consensus. Not counted in ClinVar's aggregate classification.